The following is an entry in ClinVar:

ClinVar aggregate classification (germline): Uncertain significance. Review status: criteria provided, multiple submitters, no conflicts (2 of 4 stars). 4 submissions from 4 submitters: Uncertain significance (3). 1 of the submissions does not count toward it. Last evaluated 2024-03-14.

Conditions:
Intellectual disability. Also called: Intellectual functioning disability; intellectual disabilities; Intellectual developmental disorder. Identifiers: MedGen C3714756, MeSH D008607, MONDO:0001071, HP:0001249.
Brachydactyly type B1 (BDB1). Identifiers: Orphanet 572385, Orphanet 93383, MedGen C1862112, MONDO:0007220, OMIM 113000.
Autosomal recessive Robinow syndrome (RRS1). Also called: COSTOVERTEBRAL SEGMENTATION DEFECT WITH MESOMELIA; COVESDEM SYNDROME; ROBINOW SYNDROME, AUTOSOMAL RECESSIVE 1; ROR2-Related Robinow Syndrome. Identifiers: Orphanet 1507, Orphanet 97360, MedGen C5399974, MONDO:0009999, OMIM 268310.
Short stature. Identifiers: MedGen C0349588, HP:0004322.

Allele frequency attached by ClinVar (database versions not stated): ESP Exome Variant Server 0.00008; TOPMed 0.00010.
gnomAD v4.1: 175 of 1,614,054 alleles (0.011%); highest among the groups gnomAD compares: Non-Finnish European, 0.012%; no homozygotes.

Submissions (4):

Fulgent Genetics
Classification: Uncertain significance for Brachydactyly type B1; Autosomal recessive Robinow syndrome. Last evaluated: 2024-03-14. Review status: criteria provided, single submitter. Criteria: ACMG Guidelines, 2015. Collection method: clinical testing. Allele origin: germline.

Labcorp Genetics (formerly Invitae), Labcorp
Classification: Uncertain significance. Last evaluated: 2024-02-06. Review status: criteria provided, single submitter. Criteria: Invitae Variant Classification Sherloc (09022015). Collection method: clinical testing. Allele origin: germline.
Comment: This sequence change replaces aspartic acid, which is acidic and polar, with asparagine, which is neutral and polar, at codon 672 of the ROR2 protein (p.Asp672Asn). This variant is present in population databases (rs55651110, gnomAD 0.02%). This missense change has been observed in individual(s) with clinical features of ROR2-related conditions (PMID: 33937263). ClinVar contains an entry for this variant (Variation ID: 1012281). Advanced modeling of protein sequence and biophysical properties (such as structural, functional, and spatial information, amino acid conservation, physicochemical variation, residue mobility, and thermodynamic stability) performed at Invitae indicates that this missense variant is expected to disrupt ROR2 protein function with a positive predictive value of 80%. In summary, the available evidence is currently insufficient to determine the role of this variant in disease. Therefore, it has been classified as a Variant of Uncertain Significance.

Cambridge Genomics Laboratory, East Genomic Laboratory Hub, NHS Genomic Medicine Service
Classification: Uncertain significance for Intellectual disability. Last evaluated: 2019-12-03. Review status: criteria provided, single submitter. Criteria: ACGS Best Practice Guidelines for Variant Classification in Rare Disease 2020. Collection method: clinical testing. Allele origin: germline. Affected: yes. Observed: 1 variant allele.

Beijing Key Laboratory for Genetic Research of Skeletal Deformity, Peking Union Medical College Hospital
Classification: Uncertain significance for Short stature. Last evaluated: 2021-01-31. Review status: no assertion criteria provided. Collection method: research. Allele origin: unknown. Affected: yes. Not counted in ClinVar's aggregate classification.

Literature cited by the submitters: PubMed 33937263 (cited by Labcorp Genetics (formerly Invitae), Labcorp).

NM_004560.4(ROR2):c.2014G>A (p.Asp672Asn)

Gene: ROR2 (ROR family WNT receptor 2; minus strand). Cytogenetic location: 9q22.31.
Variant type: single nucleotide variant.
Coding change: c.2014G>A on transcript NM_004560.4 (MANE Select); coding-DNA position 2014, G replaced by A.
Protein change: p.Asp672Asn; replaces aspartic acid 672 with asparagine.
Molecular consequence: missense variant.
Genome position (GRCh38, 1-based): chr9:91,724,480, C>T on the plus strand (G>A on the coding strand, the complement: ROR2 is on the minus strand). VCF-style: chr9-91724480-C-T. GRCh37 (hg19) VCF-style: chr9-94486762-C-T.
Other names: short protein forms D672N.
Identifiers: ClinVar variation 1012281 (VCV001012281.7), dbSNP rs55651110, ClinGen allele CA5120506.
Genomic context (GRCh38, chr9:91,724,480, plus strand): 5'-GCTGCAGGCCGTAGCTGAAGACCTCCCACAGGACCACACCGTAGGACCAGATGTCTGAGT[C>T]GATGGAGAACTTGCCGTACATGATGGCCTCTGGGGCCATCCAGCGGATAGGCAGCAGCGA-3'
Protein context (NP_004551.2, residues 662-682): EAIMYGKFSI[Asp672Asn]SDIWSYGVVL